The following is an entry in ClinVar:

ClinVar aggregate classification (germline): Uncertain significance. Review status: criteria provided, multiple submitters, no conflicts (2 of 4 stars). 2 submissions from 2 submitters: Uncertain significance (2). Last evaluated 2024-08-30.

Allele frequency attached by ClinVar (database versions not stated): gnomAD exomes below 0.00001; ExAC 0.00001; gnomAD 0.00001; TOPMed 0.00002.
gnomAD v4.1: 4 of 1,613,974 alleles (0.00025%); highest among the groups gnomAD compares: Admixed American, 0.0033%; no homozygotes.

Submissions (2):

Ambry Genetics
Classification: Uncertain significance. Last evaluated: 2024-08-30. Review status: criteria provided, single submitter. Criteria: Ambry Variant Classification Scheme 2023. Collection method: clinical testing. Allele origin: germline.
Comment: The p.C349Y variant (also known as c.1046G>A), located in coding exon 6 of the GALNT12 gene, results from a G to A substitution at nucleotide position 1046. The cysteine at codon 349 is replaced by tyrosine, an amino acid with highly dissimilar properties. This amino acid position is highly conserved in available vertebrate species. In addition, this alteration is predicted to be deleterious by in silico analysis. The evidence for this gene-disease relationship is limited; therefore, the clinical significance of this alteration is unclear.

Labcorp Genetics (formerly Invitae), Labcorp
Classification: Uncertain significance. Last evaluated: 2016-05-06. Review status: criteria provided, single submitter. Criteria: Invitae Variant Classification Sherloc (09022015). Collection method: clinical testing. Allele origin: germline.
Comment: In summary, this variant is a rare missense change with uncertain impact on protein function. It is not expected to cause disease, but the available evidence is currently insufficient to prove that conclusively. Therefore, it has been classified as a Variant of Uncertain Significance. Algorithms developed to predict the effect of missense changes on protein structure and function do not agree on the potential impact of this missense change (SIFT: "Deleterious"; PolyPhen-2: "Probably Damaging"; Align-GVGD: "Class C0"). This variant is present in population databases (rs747921962, ExAC 0.01%) but has not been reported in the literature in individuals with a GALNT12-related disease. This sequence change replaces cysteine with tyrosine at codon 349 of the GALNT12 protein (p.Cys349Tyr). The cysteine residue is highly conserved and there is a large physicochemical difference between cysteine and tyrosine.

NM_024642.5(GALNT12):c.1046G>A (p.Cys349Tyr)

Gene: GALNT12 (polypeptide N-acetylgalactosaminyltransferase 12; plus strand). Cytogenetic location: 9q22.33.
Variant type: single nucleotide variant.
Coding change: c.1046G>A on transcript NM_024642.5 (MANE Select); coding-DNA position 1046, G replaced by A.
Protein change: p.Cys349Tyr; replaces cysteine 349 with tyrosine.
Molecular consequence: missense variant.
Genome position (GRCh38, 1-based): chr9:98,836,982, G>A. VCF-style: chr9-98836982-G-A. GRCh37 (hg19) VCF-style: chr9-101599264-G-A.
Other names: short protein forms C349Y.
Identifiers: ClinVar variation 410588 (VCV000410588.15), dbSNP rs747921962, ClinGen allele CA5154164.